The following continues an entry in ClinVar:

NM_000518.4(HBB):c.92G>C (p.Arg31Thr)

ClinVar aggregate classification (germline): Pathogenic. Pathogenic (16).

Submissions 11 to 21 of 21:

Quest Diagnostics Nichols Institute San Juan Capistrano
Classification: Pathogenic. Last evaluated: 2021-11-15. Review status: criteria provided, single submitter. Criteria: Quest Diagnostics criteria. Collection method: clinical testing. Allele origin: unknown.
Comment: This variant disrupts normal splicing of the beta-globin mRNA and is associated with beta(0)-thalassemia (PMIDs: 2915972 (1989), 9140720 (1997), 18056002 (2007), 23350016 (2013), 27263053 (2016), and 27828729 (2017)). The variant found in at least one symptomatic individual. The variant occurs in multiple cases with a lone recessive pathogenic/likely pathogenic variant in the same gene, and several have a phenotype known to be consistent with disease. The variant has been shown to be damaging to protein function(s) relevant to disease mechanism.

Revvity Omics, Revvity
Classification: Pathogenic. Last evaluated: 2021-09-21. Review status: criteria provided, single submitter. Criteria: ACMG Guidelines, 2015. Collection method: clinical testing. Allele origin: germline.

Kasturba Medical College, Manipal, Kasturba Medical College, Manipal, Manipal Academy of Higher Education, Manipal, India
Classification: Pathogenic for Beta-thalassemia major. Last evaluated: 2021-02-16. Review status: criteria provided, single submitter. Criteria: ACMG Guidelines, 2015. Collection method: clinical testing. Allele origin: germline. Affected: yes.

Genomic Research Center, Shahid Beheshti University of Medical Sciences
Classification: Pathogenic for beta Thalassemia. Last evaluated: 2017-12-03. Review status: criteria provided, single submitter. Criteria: ACMG Guidelines, 2015. Collection method: clinical testing. Allele origin: inherited. Affected: yes.

Baylor Genetics
Classification: Pathogenic for Hb SS disease. Review status: criteria provided, single submitter. Criteria: ACMG Guidelines, 2015. Collection method: clinical testing. Allele origin: germline.

Neuberg Centre For Genomic Medicine, NCGM
Classification: Pathogenic for Beta-thalassemia HBB/LCRB. Review status: criteria provided, single submitter. Criteria: ACMG Guidelines, 2015. Collection method: clinical testing. Allele origin: germline. Inheritance: Autosomal recessive inheritance. Affected: yes.
Comment: The amino acid Arg at position 31 is changed to a Thr changing protein sequence and it might alter its composition and physico-chemical properties. This sequence change replaces arginine with threonine at codon 31 of the HBB protein (p.Arg31Thr). The arginine residue is highly conserved and there is a moderate physicochemical difference between arginine and threonine. This variant has been observed in several individuals affected with beta thalassemia (Panja A et al). This variant is reported with the allele frequency (0.01034%) in the gnomAD and novel in 1000 genome database. This variant has been reported to the ClinVar database as Pathogenic. The variant is predicted to be damaging by both SIFT and PolyPhen2. The residue is conserved across species. The amino acid change p.Arg31Thr in HBB is predicted as conserved by GERP++ and PhyloP across 100 vertebrates. For these reasons, this variant has been classified as Pathogenic.

MOLECULAR BIOLOGY AND HUMAN GENETICS DIVISION, THE UNIVERSITY OF BURDWAN
Classification: Pathogenic for Beta-thalassemia HBB/LCRB. Last evaluated: 2024-05-07. Review status: no assertion criteria provided. Collection method: clinical testing. Allele origin: germline. Affected: yes. Observed: 19 variant alleles. Not counted in ClinVar's aggregate classification.
Comment: The variant HBB:c.92G>C is a beta zero type of mutation. Functional characterized by aberrant splicing by altering the splice donar site. When this variant present in homozygous or in compound heterozygous with other beta 0 / beta + mutation leads to severe type of thalassemia. Patients needing monthly transfusion, often presented with hepatosplenomegaly, Iron overload. The frequency of the variant in thalassemia patient in Eastern India is 1.89 % as per our multicentric project - A Genetic Diagnostic Algorithm Based Study for Thalassemia in Northern and Eastern Indian Populations", Funded by Dept. of Biotechnology , Govt of India [Project No. BT/PR26461/MED/12/821/2018]

PreventionGenetics, part of Exact Sciences
Classification: Pathogenic for HBB-related condition. Last evaluated: 2024-04-05. Review status: no assertion criteria provided. Collection method: clinical testing. Allele origin: germline. Not counted in ClinVar's aggregate classification.
Comment: The HBB c.92G>C variant is predicted to result in the amino acid substitution p.Arg31Thr. In the literature, this variant is also referred to as p.Arg30Thr. This variant occurs at the splice boundary between exon 1 and intron 1, has been reported to result in aberrant splicing, has been reported to be causative for Beta-thalassemia in the presence of a second pathogenic allele (Vidaud et al. 1989. PubMed ID: 2915972; Banerjee et al. 1993. PubMed ID: 7505125). This variant is reported in 0.078% of alleles in individuals of South Asian descent in gnomAD and is reported to be pathogenic by several other lab. This variant is interpreted as pathogenic.

The ITHANET community portal, The Cyprus Institute of Neurology and Genetics
Classification: Pathogenic for beta Thalassemia. Last evaluated: 2019-11-25. Review status: no assertion criteria provided. Collection method: curation. Allele origin: germline. Not counted in ClinVar's aggregate classification.

Counsyl
Classification: Pathogenic for beta Thalassemia. Last evaluated: 2015-01-26. Review status: no assertion criteria provided. Collection method: literature only. Allele origin: unknown. Inheritance: Autosomal recessive inheritance. Not counted in ClinVar's aggregate classification.

OMIM
Classification: Pathogenic for HEMOGLOBIN KAIROUAN. Last evaluated: 1989-02-01. Review status: no assertion criteria provided. Collection method: literature only. Allele origin: germline. Not counted in ClinVar's aggregate classification.

Literature cited by the submitters: PubMed 2539344 (cited by 3 submitters); PubMed 32420772 (cited by Center for Genomic Medicine, Rigshospitalet, Copenhagen University Hospital and Quest Diagnostics Nichols Institute San Juan Capistrano); PubMed 18056002 (cited by 4 submitters); PubMed 34406845 (cited by Natera, Inc.); PubMed 9140720 (cited by 3 submitters); PubMed 2915972 (cited by 7 submitters); PubMed 20437613 (cited by Women's Health and Genetics/Laboratory Corporation of America, LabCorp); PubMed 25677748 (cited by Women's Health and Genetics/Laboratory Corporation of America, LabCorp); PubMed 11939519 (cited by 3billion); PubMed 27828729 (cited by Labcorp Genetics (formerly Invitae), Labcorp and Quest Diagnostics Nichols Institute San Juan Capistrano); PubMed 23350016 (cited by Quest Diagnostics Nichols Institute San Juan Capistrano and MOLECULAR BIOLOGY AND HUMAN GENETICS DIVISION, THE UNIVERSITY OF BURDWAN); PubMed 7505125 (cited by Quest Diagnostics Nichols Institute San Juan Capistrano); PubMed 19429541 (cited by Quest Diagnostics Nichols Institute San Juan Capistrano); PubMed 31553106 (cited by Quest Diagnostics Nichols Institute San Juan Capistrano); PubMed 25525159 (cited by Quest Diagnostics Nichols Institute San Juan Capistrano); PubMed 27263053 (cited by Quest Diagnostics Nichols Institute San Juan Capistrano and The ITHANET community portal, The Cyprus Institute of Neurology and Genetics); PubMed 1986379 (cited by The ITHANET community portal, The Cyprus Institute of Neurology and Genetics); PubMed 3422218 (cited by The ITHANET community portal, The Cyprus Institute of Neurology and Genetics); PubMed 12210807 (cited by Counsyl); PubMed 21931510 (cited by Counsyl); PubMed 18294253 (cited by Counsyl); PubMed 15278762 (cited by Counsyl); PubMed 12488606 (cited by Counsyl); PubMed 15257926 (cited by Counsyl); PubMed 19843386 (cited by Counsyl); PubMed 2753736 (cited by OMIM).